The following is an entry in ClinVar:

ClinVar aggregate classification (germline): Likely pathogenic (1 of 4 stars; one submission).

Conditions:
Chitayat syndrome (CHYTS). Identifiers: MedGen C4310679, MONDO:0014956, OMIM 617180.
Lambdoidal craniosynostosis. Identifiers: MedGen C1833340, HP:0004443.

Submission:

Greenwood Genetic Center Diagnostic Laboratories, Greenwood Genetic Center
Classification: Likely pathogenic for Chitayat syndrome; Craniosynostosis 4. Last evaluated: 2021-07-01. Review status: criteria provided, single submitter. Criteria: ACMG Guidelines, 2015. Collection method: clinical testing. Allele origin: germline. Affected: yes.
Comment: PVS1, PM2

NM_006494.4(ERF):c.939C>A (p.Tyr313Ter)

Gene: ERF (ETS2 repressor factor; minus strand). Cytogenetic location: 19q13.2.
Variant type: single nucleotide variant.
Coding change: c.939C>A on transcript NM_006494.4 (MANE Select); coding-DNA position 939, C replaced by A.
Protein change: p.Tyr313Ter; replaces tyrosine 313 with a stop codon.
Molecular consequence: nonsense.
Genome position (GRCh38, 1-based): chr19:42,249,173, G>T on the plus strand (C>A on the coding strand, the complement: ERF is on the minus strand). VCF-style: chr19-42249173-G-T. GRCh37 (hg19) VCF-style: chr19-42753325-G-T.
Other names: c.714C>A, p.Tyr238Ter (NM_001301035.2, NM_001308402.2, NM_001312656.2); short protein forms Y238*, Y313*.
Identifiers: ClinVar variation 1334510 (VCV001334510.4), dbSNP rs1216061173, ClinGen allele CA406109470.
Genomic context (GRCh38, chr19:42,249,173, plus strand): 5'-GTGCAGGAAGGCGCGGGGGCTGAGGTGGTAGTTGTAGACGCTTTGGGTGTGGGCCTGCAG[G>T]TACCGTTTCATGTCCTCAGGGCTGAAGGAGAAGTGGGAGCCTCCCCCTGAGCCGCTGGGC-3'